The following is an entry in ClinVar:

ClinVar aggregate classification (germline): Pathogenic (1 of 4 stars; one submission).

Conditions:
Seizures, benign familial infantile, 3 (BFIS3). Also called: Familial neonatal seizures; CONVULSIONS, BENIGN FAMILIAL INFANTILE, 3. Identifiers: Orphanet 140927, Orphanet 306, MedGen C1843140, MONDO:0011904, OMIM 607745.
Developmental and epileptic encephalopathy, 11 (DEE11). Also called: Early infantile epileptic encephalopathy 11. Identifiers: Orphanet 1934, MedGen C3150987, MONDO:0013388, OMIM 613721.

Submission:

Labcorp Genetics (formerly Invitae), Labcorp
Classification: Pathogenic for Seizures, benign familial infantile, 3; Developmental and epileptic encephalopathy, 11. Last evaluated: 2024-02-24. Review status: criteria provided, single submitter. Criteria: Invitae Variant Classification Sherloc (09022015). Collection method: clinical testing. Allele origin: germline.
Comment: This sequence change creates a premature translational stop signal (p.Lys455*) in the SCN2A gene. It is expected to result in an absent or disrupted protein product. Loss-of-function variants in SCN2A are known to be pathogenic (PMID: 28379373). This variant is not present in population databases (gnomAD no frequency). This variant has not been reported in the literature in individuals affected with SCN2A-related conditions. ClinVar contains an entry for this variant (Variation ID: 955765). For these reasons, this variant has been classified as Pathogenic.

Literature cited by the submitters: PubMed 28379373.

NM_001040142.2(SCN2A):c.1363A>T (p.Lys455Ter)

Gene: SCN2A (sodium voltage-gated channel alpha subunit 2; plus strand). Cytogenetic location: 2q24.3.
Variant type: single nucleotide variant.
Coding change: c.1363A>T on transcript NM_001040142.2 (MANE Select); coding-DNA position 1363, A replaced by T.
Protein change: p.Lys455Ter; replaces lysine 455 with a stop codon.
Molecular consequence: nonsense.
Genome position (GRCh38, 1-based): chr2:165,314,088, A>T. VCF-style: chr2-165314088-A-T. GRCh37 (hg19) VCF-style: chr2-166170598-A-T.
Other names: c.1363A>T, p.Lys455Ter (NM_001040143.2, NM_001371246.1, NM_001371247.1 and 1 more transcripts); short protein forms K455*.
Identifiers: ClinVar variation 955765 (VCV000955765.8), dbSNP rs1553569087, ClinGen allele CA349022473.